The following is an entry in ClinVar:

ClinVar aggregate classification (germline): Uncertain significance (1 of 4 stars; one submission).

Allele frequency attached by ClinVar (database versions not stated): gnomAD exomes below 0.00001; ExAC 0.00001.

Submission:

GeneDx
Classification: Uncertain significance. Last evaluated: 2022-05-16. Review status: criteria provided, single submitter. Criteria: GeneDx Variant Classification Process June 2021. Collection method: clinical testing. Allele origin: germline. Affected: yes.
Comment: Not observed at significant frequency in large population cohorts (gnomAD); In silico analysis supports that this missense variant has a deleterious effect on protein structure/function; Has not been previously published as pathogenic or benign to our knowledge

NM_006757.4(TNNT3):c.175A>T (p.Ile59Phe)

Gene: TNNT3 (troponin T3, fast skeletal type; plus strand). Cytogenetic location: 11p15.5.
Variant type: single nucleotide variant.
Coding change: c.175A>T on transcript NM_006757.4 (MANE Select); coding-DNA position 175, A replaced by T.
Protein change: p.Ile59Phe; replaces isoleucine 59 with phenylalanine.
Molecular consequence: missense variant. On other transcripts: 5 prime UTR variant (2).
Genome position (GRCh38, 1-based): chr11:1,933,724, A>T. VCF-style: chr11-1933724-A-T. GRCh37 (hg19) VCF-style: chr11-1954954-A-T.
Other names: c.151A>T, p.Ile51Phe (NM_001042780.3, NM_001042782.3, NM_001297646.2 and 2 more transcripts); c.169A>T, p.Ile57Phe (NM_001042781.3, NM_001367842.1, NM_001367843.1); c.184A>T, p.Ile62Phe (NM_001363561.2, NM_001367847.1); c.208A>T, p.Ile70Phe (NM_001367846.1); c.172A>T, p.Ile58Phe (NM_001367848.1); c.163A>T, p.Ile55Phe (NM_001367849.1); c.118A>T, p.Ile40Phe (NM_001367850.1); c.-30A>T (NM_001367851.1, NM_001367852.1); short protein forms I40F, I51F, I55F, I57F, I58F, I59F, I62F, I70F.
Identifiers: ClinVar variation 1800644 (VCV001800644.1), dbSNP rs779208956, ClinGen allele CA5816391.
Genomic context (GRCh38, chr11:1,933,724, plus strand): 5'-GGCAGGGCAGAGGTTGGAGAGAGGGGTGGGGCTCACACCCACTGCCCCTGCCCACAGGAC[A>T]TCCAGAAGAAGCGTCAGAACAAAGACCTAATGGAGCTCCAGGCCCTCATCGACAGCCACT-3'
Protein context (NP_006748.1, residues 49-69): PEGEKVDFDD[Ile59Phe]QKKRQNKDLM